The following is an entry in ClinVar:

NM_000080.4(CHRNE):c.1388T>G (p.Leu463Arg)

Gene: CHRNE (cholinergic receptor nicotinic epsilon subunit; minus strand). Cytogenetic location: 17p13.2.
Variant type: single nucleotide variant.
Coding change: c.1388T>G on transcript NM_000080.4 (MANE Select); coding-DNA position 1388, T replaced by G.
Protein change: p.Leu463Arg; replaces leucine 463 with arginine.
Molecular consequence: missense variant.
Genome position (GRCh38, 1-based): chr17:4,898,830, A>C on the plus strand (T>G on the coding strand, the complement: CHRNE is on the minus strand). VCF-style: chr17-4898830-A-C. GRCh37 (hg19) VCF-style: chr17-4802125-A-C.
Other names: short protein forms L463R.
Identifiers: ClinVar variation 2765754 (VCV002765754.3), dbSNP rs561591789, ClinGen allele CA287178933.

ClinVar aggregate classification (germline): Likely pathogenic (1 of 4 stars; one submission).

Conditions:
Congenital myasthenic syndrome 4A. Also called: CONGENITAL MYASTHENIC SYNDROME TYPE Ia1; Myasthenic syndrome, congenital, 4a, slow-channel; MYASTHENIC SYNDROME, CONGENITAL, 4A, SLOW-CHANNEL, AUTOSOMAL RECESSIVE. Identifiers: Orphanet 590, MedGen C4225413, MONDO:0011600, OMIM 605809.

Allele frequency attached by ClinVar (database versions not stated): gnomAD exomes below 0.00001; 1000 Genomes Project 0.00020; 1000 Genomes Project 30x 0.00031.
gnomAD v4.1: 2 of 1,598,072 alleles (0.00013%); highest among the groups gnomAD compares: African/African-American, 0.0013%; no homozygotes.

Submission:

Labcorp Genetics (formerly Invitae), Labcorp
Classification: Likely pathogenic for Congenital myasthenic syndrome 4A. Last evaluated: 2023-11-15. Review status: criteria provided, single submitter. Criteria: Invitae Variant Classification Sherloc (09022015). Collection method: clinical testing. Allele origin: germline.
Comment: This sequence change replaces leucine, which is neutral and non-polar, with arginine, which is basic and polar, at codon 463 of the CHRNE protein (p.Leu463Arg). This variant is not present in population databases (gnomAD no frequency). This missense change has been observed in individual(s) with congenital myasthenic syndrome (Invitae). In at least one individual the data is consistent with being in trans (on the opposite chromosome) from a pathogenic variant. Advanced modeling of protein sequence and biophysical properties (such as structural, functional, and spatial information, amino acid conservation, physicochemical variation, residue mobility, and thermodynamic stability) performed at Invitae indicates that this missense variant is expected to disrupt CHRNE protein function with a positive predictive value of 95%. In summary, the currently available evidence indicates that the variant is pathogenic, but additional data are needed to prove that conclusively. Therefore, this variant has been classified as Likely Pathogenic.